The following is an entry in ClinVar:

ClinVar aggregate classification (germline): Uncertain significance (1 of 4 stars; one submission).

Allele frequency attached by ClinVar (database versions not stated): gnomAD 0.00003 and 0.00004; TOPMed 0.00003; ESP Exome Variant Server 0.00008; 1000 Genomes Project 0.00040; 1000 Genomes Project 30x 0.00062.
gnomAD v4.1: 37 of 1,614,076 alleles (0.0023%); highest among the groups gnomAD compares: Admixed American, 0.035%; 1 homozygote.

Submission:

Labcorp Genetics (formerly Invitae), Labcorp
Classification: Uncertain significance. Last evaluated: 2022-10-17. Review status: criteria provided, single submitter. Criteria: Invitae Variant Classification Sherloc (09022015). Collection method: clinical testing. Allele origin: germline.
Comment: This sequence change replaces alanine, which is neutral and non-polar, with valine, which is neutral and non-polar, at codon 67 of the ZNF341 protein (p.Ala67Val). This variant is present in population databases (rs140477900, gnomAD 0.01%). This variant has not been reported in the literature in individuals affected with ZNF341-related conditions. ClinVar contains an entry for this variant (Variation ID: 1059646). Algorithms developed to predict the effect of missense changes on protein structure and function are either unavailable or do not agree on the potential impact of this missense change (SIFT: "Deleterious"; PolyPhen-2: "Benign"; Align-GVGD: "Class C55"). In summary, the available evidence is currently insufficient to determine the role of this variant in disease. Therefore, it has been classified as a Variant of Uncertain Significance.

NM_001282933.2(ZNF341):c.200C>T (p.Ala67Val)

Gene: ZNF341 (zinc finger protein 341; plus strand). Cytogenetic location: 20q11.22.
Variant type: single nucleotide variant.
Coding change: c.200C>T on transcript NM_001282933.2 (MANE Select); coding-DNA position 200, C replaced by T.
Protein change: p.Ala67Val; replaces alanine 67 with valine.
Molecular consequence: missense variant. On other transcripts: non-coding transcript variant (1), intron variant (1).
Genome position (GRCh38, 1-based): chr20:33,745,160, C>T. VCF-style: chr20-33745160-C-T. GRCh37 (hg19) VCF-style: chr20-32332966-C-T.
Other names: c.200C>T, p.Ala67Val (NM_032819.5); c.70-3763C>T (NM_001282935.2); short protein forms A67V.
Identifiers: ClinVar variation 1059646 (VCV001059646.4), dbSNP rs140477900, ClinGen allele CA9819098.
Genomic context (GRCh38, chr20:33,745,160, plus strand): 5'-CAGATGACGAGGATGTATTTCTCTGCGGGAAGTGTAAGAAGCAATTCAACTCGCTGCCAG[C>T]GTTTATGACCCACAAGCGGGAACAGTGCCAGGGGAATGCCCCCGCCCTGGCCACAGTCTC-3'
Protein context (NP_001269862.1, residues 57-77): KCKKQFNSLP[Ala67Val]FMTHKREQCQ